The following is an entry in ClinVar:

NM_002929.3(GRK1):c.162C>T (p.Leu54=)

Gene: GRK1 (G protein-coupled receptor kinase 1; plus strand). Cytogenetic location: 13q34.
Variant type: single nucleotide variant.
Coding change: c.162C>T on transcript NM_002929.3 (MANE Select); coding-DNA position 162, C replaced by T.
Protein change: p.Leu54=; no amino-acid change (leucine 54 retained).
Molecular consequence: synonymous variant.
Genome position (GRCh38, 1-based): chr13:113,667,548, C>T. VCF-style: chr13-113667548-C-T. GRCh37 (hg19) VCF-style: chr13-114321863-C-T.
Identifiers: ClinVar variation 522307 (VCV000522307.8), dbSNP rs73579342, ClinGen allele CA7066040.
Genomic context (GRCh38, chr13:113,667,548, plus strand): 5'-GTACCTGGCCAAGCTCAAGCTGCCCCCGCTGTCCAAGTGTGAGTCCCTCCGCGACAGCCT[C>T]AGCCTGGAGTTTGAGAGTGTGTGCTTGGAGCAGCCCATCGGCAAGAAGCTCTTTCAGCAG-3'
Protein context (NP_002920.1, residues 44-64): LSKCESLRDS[Leu54=]SLEFESVCLE

ClinVar aggregate classification (germline): Likely benign. Review status: criteria provided, multiple submitters, no conflicts (2 of 4 stars). 5 submissions from 5 submitters: Likely benign (3). 2 of the submissions do not count toward it. Last evaluated 2024-06-26.

Conditions:
GRK1-related disorder. Also called: GRK1-related condition.
Oguchi disease-2. Also called: NIGHT BLINDNESS, CONGENITAL STATIONARY, OGUCHI TYPE 2. Identifiers: Orphanet 75382, MedGen C3150678, MONDO:0013259, OMIM 613411.

Allele frequency attached by ClinVar (database versions not stated): gnomAD exomes 0.00035 and 0.00083; ExAC 0.00103; gnomAD 0.00334 and 0.00353; TOPMed 0.00349; ESP Exome Variant Server 0.00411; 1000 Genomes Project 0.00479; 1000 Genomes Project 30x 0.00515.
gnomAD v4.1: 1,039 of 1,613,600 alleles (0.064%); highest among the groups gnomAD compares: African/African-American, 1.2%; 7 homozygotes.

Submissions (5):

Blueprint Genetics
Classification: Likely benign. Last evaluated: 2024-06-26. Review status: criteria provided, single submitter. Criteria: ACMG Guidelines, 2015. Collection method: clinical testing. Allele origin: germline.

Clinical Genetics DNA and cytogenetics Diagnostics Lab, Erasmus MC, Erasmus Medical Center
Classification: Likely benign for Oguchi disease-2. Last evaluated: 2017-06-28. Review status: criteria provided, single submitter. Criteria: ACGS Guidelines, 2013. Collection method: clinical testing. Allele origin: germline. Affected: yes. Study: VKGL Data-share Consensus.

Breakthrough Genomics
Classification: Likely benign. Review status: criteria provided, single submitter. Criteria: ACMG Guidelines, 2015. Collection method: not provided. Allele origin: germline. Inheritance: Unknown mechanism. Affected: yes.

PreventionGenetics, part of Exact Sciences
Classification: Benign for GRK1-related condition. Last evaluated: 2019-10-16. Review status: no assertion criteria provided. Collection method: clinical testing. Allele origin: germline. Not counted in ClinVar's aggregate classification.
Comment: This variant is classified as benign based on ACMG/AMP sequence variant interpretation guidelines (Richards et al. 2015 PMID: 25741868, with internal and published modifications).

Clinical Genetics, Academic Medical Center
Classification: Benign. Review status: no assertion criteria provided. Collection method: clinical testing. Allele origin: germline. Affected: yes. Study: VKGL Data-share Consensus. Not counted in ClinVar's aggregate classification.